The following is an entry in ClinVar:

NM_004369.4(COL6A3):c.4934A>T (p.Asp1645Val)

Gene: COL6A3 (collagen type VI alpha 3 chain; minus strand). Cytogenetic location: 2q37.3.
Variant type: single nucleotide variant.
Coding change: c.4934A>T on transcript NM_004369.4 (MANE Select); coding-DNA position 4934, A replaced by T.
Protein change: p.Asp1645Val; replaces aspartic acid 1645 with valine.
Molecular consequence: missense variant.
Genome position (GRCh38, 1-based): chr2:237,367,253, T>A on the plus strand (A>T on the coding strand, the complement: COL6A3 is on the minus strand). VCF-style: chr2-237367253-T-A. GRCh37 (hg19) VCF-style: chr2-238275896-T-A.
Other names: c.3113A>T, p.Asp1038Val (NM_057166.5); c.4316A>T, p.Asp1439Val (NM_057167.4); short protein forms D1038V, D1439V, D1645V.
Identifiers: ClinVar variation 4976533 (VCV004976533.1).
Genomic context (GRCh38, chr2:237,367,253, plus strand): 5'-ATTTCAGACACAAAACGAAGCACTTCCTGGAAACTGTCCCTCCTGAAGTTGATGGAACCA[T>A]CCAACAGGAACACAATGTCTGCTTTCTTCTTCTCTAGAAGTGATTAAAGTGAAAATAAGG-3'
Protein context (NP_004360.2, residues 1635-1655): KKKADIVFLL[Asp1645Val]GSINFRRDSF

ClinVar aggregate classification (germline): Uncertain significance (1 of 4 stars; one submission).

Submission:

GeneDx
Classification: Uncertain significance. Last evaluated: 2026-02-24. Review status: criteria provided, single submitter. Criteria: GeneDx Variant Classification Process June 2021. Collection method: clinical testing. Allele origin: germline.
Comment: Not observed at significant frequency in large population cohorts (gnomAD); In silico analysis supports that this missense variant has a deleterious effect on protein structure/function; Has not been previously published as pathogenic or benign to our knowledge